The following is an entry in ClinVar:

NM_001035.3(RYR2):c.14055G>A (p.Lys4685=)

Gene: RYR2 (ryanodine receptor 2; plus strand). Cytogenetic location: 1q43.
Variant type: single nucleotide variant.
Coding change: c.14055G>A on transcript NM_001035.3 (MANE Select); coding-DNA position 14055, G replaced by A.
Protein change: p.Lys4685=; no amino-acid change (lysine 4685 retained).
Molecular consequence: synonymous variant.
Genome position (GRCh38, 1-based): chr1:237,798,135, G>A. VCF-style: chr1-237798135-G-A. GRCh37 (hg19) VCF-style: chr1-237961435-G-A.
Identifiers: ClinVar variation 927987 (VCV000927987.12), dbSNP rs765409439, ClinGen allele CA39838208.

ClinVar aggregate classification (germline): Likely benign. Review status: criteria provided, multiple submitters, no conflicts (2 of 4 stars). 3 submissions from 3 submitters: Likely benign (3). Last evaluated 2025-10-17.

Conditions:
Catecholaminergic polymorphic ventricular tachycardia (CVPT). Also called: Catecholamine-induced polymorphic ventricular tachycardia. Identifiers: Orphanet 3286, MedGen C5574922, MONDO:0017990.
Cardiomyopathy (CMYO). Also called: Cardiomyopathies. Identifiers: Orphanet 167848, MedGen C0878544, MONDO:0004994, HP:0001638. Inheritance: Various modes of inheritance.
Catecholaminergic polymorphic ventricular tachycardia 1. Also called: VENTRICULAR TACHYCARDIA, CATECHOLAMINERGIC POLYMORPHIC, 1, WITH OR WITHOUT ATRIAL DYSFUNCTION AND/OR DILATED CARDIOMYOPATHY; VENTRICULAR TACHYCARDIA, STRESS-INDUCED POLYMORPHIC 1; RYR2-Related Catecholaminergic Polymorphic Ventricular Tachycardia. Identifiers: Orphanet 3286, MedGen C1631597, MONDO:0011484, OMIM 604772.

Allele frequency attached by ClinVar (database versions not stated): gnomAD 0.00001; TOPMed 0.00002.
gnomAD v4.1: 13 of 1,612,222 alleles (0.00081%); highest among the groups gnomAD compares: Non-Finnish European, 0.00085%; no homozygotes.

Submissions (3):

Labcorp Genetics (formerly Invitae), Labcorp
Classification: Likely benign for Catecholaminergic polymorphic ventricular tachycardia 1. Last evaluated: 2025-10-17. Review status: criteria provided, single submitter. Criteria: Invitae Variant Classification Sherloc (09022015). Collection method: clinical testing. Allele origin: germline.

All of Us Research Program, National Institutes of Health
Classification: Likely benign for Catecholaminergic polymorphic ventricular tachycardia. Last evaluated: 2023-05-08. Review status: criteria provided, single submitter. Criteria: ACMG Guidelines, 2015. Collection method: clinical testing. Allele origin: germline. Inheritance: Autosomal dominant inheritance. Observed: 1 variant allele, 1 heterozygote.
Comment: This study involves interpretation of variants in research participants for the purpose of population health screening. Participant phenotype was not available at the time of variant classification. Additional details can be found in publication PMID: 35346344, PMCID: PMC8962531

Color Diagnostics, LLC DBA Color Health
Classification: Likely benign for Cardiomyopathy. Last evaluated: 2018-12-04. Review status: criteria provided, single submitter. Criteria: ACMG Guidelines, 2015. Collection method: clinical testing. Allele origin: germline.